The following is an entry in ClinVar:

ClinVar aggregate classification (germline): Uncertain significance (1 of 4 stars; one submission).

gnomAD v4.1: 102 of 1,611,552 alleles (0.0063%); highest among the groups gnomAD compares: Non-Finnish European, 0.008%; no homozygotes.

Submission:

Labcorp Genetics (formerly Invitae), Labcorp
Classification: Uncertain significance. Last evaluated: 2024-10-22. Review status: criteria provided, single submitter. Criteria: Invitae Variant Classification Sherloc (09022015). Collection method: clinical testing. Allele origin: germline.
Comment: This sequence change replaces valine, which is neutral and non-polar, with isoleucine, which is neutral and non-polar, at codon 849 of the ABCC8 protein (p.Val849Ile). This variant is present in population databases (rs770722134, gnomAD 0.004%). This variant has not been reported in the literature in individuals affected with ABCC8-related conditions. Invitae Evidence Modeling of protein sequence and biophysical properties (such as structural, functional, and spatial information, amino acid conservation, physicochemical variation, residue mobility, and thermodynamic stability) indicates that this missense variant is not expected to disrupt ABCC8 protein function with a negative predictive value of 95%. In summary, the available evidence is currently insufficient to determine the role of this variant in disease. Therefore, it has been classified as a Variant of Uncertain Significance.

NM_000352.6(ABCC8):c.2545G>A (p.Val849Ile)

Gene: ABCC8 (ATP binding cassette subfamily C member 8; minus strand). Cytogenetic location: 11p15.1.
Variant type: single nucleotide variant.
Coding change: c.2545G>A on transcript NM_000352.6 (MANE Select); coding-DNA position 2545, G replaced by A.
Protein change: p.Val849Ile; replaces valine 849 with isoleucine.
Molecular consequence: missense variant. On other transcripts: non-coding transcript variant (1).
Genome position (GRCh38, 1-based): chr11:17,412,677, C>T on the plus strand (G>A on the coding strand, the complement: ABCC8 is on the minus strand). VCF-style: chr11-17412677-C-T. GRCh37 (hg19) VCF-style: chr11-17434224-C-T.
Other names: c.2548G>A, p.Val850Ile (NM_001287174.3); c.2611G>A, p.Val871Ile (NM_001351295.2); c.2545G>A, p.Val849Ile (NM_001351296.2); c.2542G>A, p.Val848Ile (NM_001351297.2); short protein forms V849I, V848I, V850I, V871I.
Identifiers: ClinVar variation 3704026 (VCV003704026.1).